The following is an entry in ClinVar:

ClinVar aggregate classification (germline): Benign. Review status: criteria provided, multiple submitters, no conflicts (2 of 4 stars). 3 submissions from 3 submitters: Benign (3). Last evaluated 2024-01-24.

Allele frequency attached by ClinVar (database versions not stated): TOPMed 0.39060; 1000 Genomes Project 0.41254; gnomAD 0.37602 and 0.38490; 1000 Genomes Project 30x 0.42286.
gnomAD v4.1: 242,622 of 907,234 alleles (27%); highest among the groups gnomAD compares: African/African-American, 72%; 40,223 homozygotes.

Submissions (9):

Unidad de Genómica Garrahan, Hospital de Pediatría Garrahan
Classification: Benign. Last evaluated: 2024-01-24. Review status: criteria provided, single submitter. Criteria: ACMG Guidelines, 2015. Collection method: clinical testing. Allele origin: germline. Affected: no. Observed: 32 variant alleles.
Comment: This variant is classified as Benign based on local population frequency. This variant was detected in 36% of patients studied by a panel of primary immunodeficiencies. Number of patients: 32. Only high quality variants are reported.

GeneDx
Classification: Benign. Last evaluated: 2018-11-12. Review status: criteria provided, single submitter. Criteria: GeneDx Variant Classification Process June 2021. Collection method: clinical testing. Allele origin: germline. Affected: yes.

Breakthrough Genomics
Classification: Benign. Review status: criteria provided, single submitter. Criteria: ACMG Guidelines, 2015. Collection method: not provided. Allele origin: germline. Inheritance: Autosomal dominant inheritance. Affected: yes.

Dr. Peter K. Rogan Lab, Western University
No classification provided (evidence only). Condition: Squamous cell carcinoma of the head and neck. Review status: no classification provided. Collection method: in vitro. Allele origin: not applicable. Functional consequence: retained intron. Not counted in ClinVar's aggregate classification.

Dr. Peter K. Rogan Lab, Western University
No classification provided (evidence only). Condition: Malignant lymphoma, large B-cell, diffuse. Review status: no classification provided. Collection method: in vitro. Allele origin: not applicable. Functional consequence: retained intron. Not counted in ClinVar's aggregate classification.

Dr. Peter K. Rogan Lab, Western University
No classification provided (evidence only). Condition: Malignant lymphoma, large B-cell, diffuse. Review status: no classification provided. Collection method: in vitro. Allele origin: not applicable. Functional consequence: retained intron. Not counted in ClinVar's aggregate classification.

Dr. Peter K. Rogan Lab, Western University
No classification provided (evidence only). Condition: Malignant lymphoma, large B-cell, diffuse. Review status: no classification provided. Collection method: in vitro. Allele origin: not applicable. Functional consequence: retained intron. Not counted in ClinVar's aggregate classification.

Dr. Peter K. Rogan Lab, Western University
No classification provided (evidence only). Condition: Malignant lymphoma, large B-cell, diffuse. Review status: no classification provided. Collection method: in vitro. Allele origin: not applicable. Functional consequence: retained intron. Not counted in ClinVar's aggregate classification.

Dr. Peter K. Rogan Lab, Western University
No classification provided (evidence only). Condition: Malignant lymphoma, large B-cell, diffuse. Review status: no classification provided. Collection method: in vitro. Allele origin: not applicable. Functional consequence: retained intron. Not counted in ClinVar's aggregate classification.

NM_004972.4(JAK2):c.3060-72A>G

Genes: INSL6 (insulin like 6; minus strand), JAK2 (Janus kinase 2; plus strand). Cytogenetic location: 9p24.1.
Variant type: single nucleotide variant.
Coding change: c.3060-72A>G on transcript NM_004972.4 (MANE Select); 72 bases into the intron before coding-DNA position 3060, A replaced by G.
Molecular consequence: intron variant.
Genome position (GRCh38, 1-based): chr9:5,122,932, A>G. VCF-style: chr9-5122932-A-G. GRCh37 (hg19) VCF-style: chr9-5122932-A-G.
Other names: NC_000009.11:g.5122932A>G; c.3060-72A>G (NM_001322194.2, NM_001322195.2, NM_001322196.2); c.1845-72A>G (NM_001322198.2, NM_001322199.2); c.2613-72A>G (NM_001322204.2).
Identifiers: ClinVar variation 1224975 (VCV001224975.7), dbSNP rs10815163, ClinGen allele CA15616913.